The following is an entry in ClinVar:

ClinVar aggregate classification (germline): Pathogenic/Likely pathogenic. Review status: criteria provided, multiple submitters, no conflicts (2 of 4 stars). 5 submissions from 5 submitters: Pathogenic (4); Likely pathogenic (1). Last evaluated 2026-01-16.

Conditions:
Retinitis pigmentosa 40 (RP40). Identifiers: Orphanet 791, MedGen C3151107, MONDO:0013429, OMIM 613801.
Congenital stationary night blindness autosomal dominant 2. Also called: NIGHT BLINDNESS, CONGENITAL STATIONARY, RAMBUSCH TYPE. Identifiers: Orphanet 215, MedGen C1876182, MONDO:0008099, OMIM 163500.

Allele frequency attached by ClinVar (database versions not stated): gnomAD exomes 0.00001.
gnomAD v4.1: 2 of 1,613,710 alleles (0.00012%); highest among the groups gnomAD compares: East Asian, 0.0045%; no homozygotes.

Submissions (5):

3billion
Classification: Pathogenic for Retinitis pigmentosa 40. Last evaluated: 2026-01-16. Review status: criteria provided, single submitter. Criteria: ACMG Guidelines, 2015. Collection method: clinical testing. Allele origin: germline. Affected: yes.
Comment: The variant is observed at an extremely low frequency in the gnomAD v4.1.0 dataset (total allele frequency: <0.001%). Predicted Consequence/Location: Stop-gained (nonsense): predicted to result in a loss or disruption of normal protein function through nonsense-mediated decay (NMD) or protein truncation. Multiple pathogenic variants are reported downstream of the variant. The variant has been reported at least twice as pathogenic with clinical assertions and evidence for the classification (ClinVar ID: VCV000950320 /PMID: 24938718). Therefore, this variant is classified as Pathogenic according to the recommendation of ACMG/AMP guideline.

SingHealth Duke-NUS Institute of Precision Medicine
Classification: Likely pathogenic for Retinitis pigmentosa 40. Last evaluated: 2025-02-05. Review status: criteria provided, single submitter. Criteria: PRISM ACMG Classification Criteria. Collection method: clinical testing. Allele origin: germline. Affected: yes.
Comment: Variant is truncating a gene where LOF is a known mechanism of disease (PVS1). Homozygous allele count in gnomAD exomes and genomes is less than 0 (PM2).

Labcorp Genetics (formerly Invitae), Labcorp
Classification: Pathogenic. Last evaluated: 2024-06-02. Review status: criteria provided, single submitter. Criteria: Invitae Variant Classification Sherloc (09022015). Collection method: clinical testing. Allele origin: germline.
Comment: This sequence change creates a premature translational stop signal (p.Glu204*) in the PDE6B gene. It is expected to result in an absent or disrupted protein product. Loss-of-function variants in PDE6B are known to be pathogenic (PMID: 8394174, 8595886, 22334370). This variant is present in population databases (rs765804881, gnomAD 0.006%). This premature translational stop signal has been observed in individual(s) with autosomal recessive retinitis pigmentosa (PMID: 24938718). ClinVar contains an entry for this variant (Variation ID: 950320). For these reasons, this variant has been classified as Pathogenic.

GeneDx
Classification: Pathogenic. Last evaluated: 2024-03-21. Review status: criteria provided, single submitter. Criteria: GeneDx Variant Classification Process June 2021. Collection method: clinical testing. Allele origin: germline. Affected: yes.
Comment: Nonsense variant predicted to result in protein truncation or nonsense mediated decay in a gene for which loss of function is a known mechanism of disease; Not observed at significant frequency in large population cohorts (gnomAD); This variant is associated with the following publications: (PMID: 24938718)

Juno Genomics, Hangzhou Juno Genomics, Inc
Classification: Pathogenic for Retinitis pigmentosa 40; Congenital stationary night blindness autosomal dominant 2. Review status: criteria provided, single submitter. Criteria: ACMG Guidelines, 2015. Collection method: clinical testing. Allele origin: germline.
Comment: Absent from controls (or at extremely low frequency if recessive) in Genome Aggregation Database.;Null variant in a gene where loss of function (LOF) is a known mechanism of disease.;For recessive disorders, detected in trans with a pathogenic variant.

Literature cited by the submitters: PubMed 24938718 (cited by 3billion and Labcorp Genetics (formerly Invitae), Labcorp); PubMed 8394174 (cited by Labcorp Genetics (formerly Invitae), Labcorp); PubMed 8595886 (cited by Labcorp Genetics (formerly Invitae), Labcorp); PubMed 22334370 (cited by Labcorp Genetics (formerly Invitae), Labcorp).

NM_000283.4(PDE6B):c.610G>T (p.Glu204Ter)

Gene: PDE6B (phosphodiesterase 6B; plus strand). Cytogenetic location: 4p16.3.
Variant type: single nucleotide variant.
Coding change: c.610G>T on transcript NM_000283.4 (MANE Select); coding-DNA position 610, G replaced by T.
Protein change: p.Glu204Ter; replaces glutamic acid 204 with a stop codon.
Molecular consequence: nonsense.
Genome position (GRCh38, 1-based): chr4:634,818, G>T. VCF-style: chr4-634818-G-T. GRCh37 (hg19) VCF-style: chr4-628607-G-T.
Other names: c.610G>T, p.Glu204Ter (NM_001145291.2); short protein forms E204*.
Identifiers: ClinVar variation 950320 (VCV000950320.14), dbSNP rs765804881, ClinGen allele CA2794011.